The following is an entry in ClinVar:

ClinVar aggregate classification (germline): Likely benign (1 of 4 stars; one submission).

Allele frequency attached by ClinVar (database versions not stated): gnomAD exomes 0.00001.
gnomAD v4.1: 4 of 1,211,769 alleles (0.00033%); highest among the groups gnomAD compares: Non-Finnish European, 0.00045%; no homozygotes.

Submission:

CeGaT Center for Human Genetics Tuebingen
Classification: Likely benign. Last evaluated: 2022-12-01. Review status: criteria provided, single submitter. Criteria: CeGaT Center For Human Genetics Tuebingen Variant Classification Criteria Version 2. Collection method: clinical testing. Allele origin: germline. Affected: yes. Observed: 1 variant allele.
Comment: ARSH: BP4, BP7

NM_001011719.2(ARSH):c.1164G>A (p.Leu388=)

Gene: ARSH (arylsulfatase family member H; plus strand). Cytogenetic location: Xp22.33.
Variant type: single nucleotide variant.
Coding change: c.1164G>A on transcript NM_001011719.2 (MANE Select); coding-DNA position 1164, G replaced by A.
Protein change: p.Leu388=; no amino-acid change (leucine 388 retained).
Molecular consequence: synonymous variant.
Genome position (GRCh38, 1-based): chrX:3,027,440, G>A. VCF-style: chrX-3027440-G-A. GRCh37 (hg19) VCF-style: chrX-2945481-G-A.
Identifiers: ClinVar variation 2659865 (VCV002659865.24), dbSNP rs1252860722, ClinGen allele CA515313932.
Genomic context (GRCh38, chrX:3,027,440, plus strand): 5'-CTTGGAGGCTGGGAGAGTGATCAATGAGCCCACCAGCTTAATGGACATCTATCCGACGCT[G>A]TCTTATATAGGCGGAGGGATCTTGTCCCAGGACAGGTATGGAAACAGTGTTTGCTCCTAA-3'
Protein context (NP_001011719.1, residues 378-398): PTSLMDIYPT[Leu388=]SYIGGGILSQ